The following is an entry in ClinVar:

NM_000038.6(APC):c.6281C>G (p.Pro2094Arg)

Gene: APC (APC regulator of Wnt signaling pathway; plus strand). Cytogenetic location: 5q22.2.
Variant type: single nucleotide variant.
Coding change: c.6281C>G on transcript NM_000038.6 (MANE Select); coding-DNA position 6281, C replaced by G.
Protein change: p.Pro2094Arg; replaces proline 2094 with arginine.
Molecular consequence: missense variant.
Genome position (GRCh38, 1-based): chr5:112,841,875, C>G. VCF-style: chr5-112841875-C-G. GRCh37 (hg19) VCF-style: chr5-112177572-C-G.
Other names: c.6281C>G, p.Pro2094Arg (NM_001127510.3, NM_001354895.2); c.6227C>G, p.Pro2076Arg (NM_001127511.3); c.6335C>G, p.Pro2112Arg (NM_001354896.2); c.6311C>G, p.Pro2104Arg (NM_001354897.2); c.6206C>G, p.Pro2069Arg (NM_001354898.2); c.6197C>G, p.Pro2066Arg (NM_001354899.2); c.6158C>G, p.Pro2053Arg (NM_001354900.2); c.6104C>G, p.Pro2035Arg (NM_001354901.2); and 5 more; short protein forms P1811R, P1993R, P2104R, P2069R, P2112R, P1934R, P1968R, P2076R.
Identifiers: ClinVar variation 1036505 (VCV001036505.10), dbSNP rs1766180166, ClinGen allele CA16035082.

ClinVar aggregate classification (germline): Uncertain significance (1 of 4 stars; one submission).

Conditions:
Familial adenomatous polyposis 1 (FAP1). Also called: FAMILIAL ADENOMATOUS POLYPOSIS 1, ATTENUATED; POLYPOSIS, ADENOMATOUS INTESTINAL. Identifiers: MedGen C2713442, MONDO:0021056, OMIM 175100. Disease mechanism: loss of function.

Submission:

Labcorp Genetics (formerly Invitae), Labcorp
Classification: Uncertain significance for Familial adenomatous polyposis 1. Last evaluated: 2021-04-27. Review status: criteria provided, single submitter. Criteria: Invitae Variant Classification Sherloc (09022015). Collection method: clinical testing. Allele origin: germline.
Comment: In summary, the available evidence is currently insufficient to determine the role of this variant in disease. Therefore, it has been classified as a Variant of Uncertain Significance. Algorithms developed to predict the effect of missense changes on protein structure and function are either unavailable or do not agree on the potential impact of this missense change (SIFT: "Tolerated"; PolyPhen-2: "Probably Damaging"; Align-GVGD: "Class C0"). This variant has not been reported in the literature in individuals with APC-related conditions. This variant is not present in population databases (ExAC no frequency). This sequence change replaces proline with arginine at codon 2094 of the APC protein (p.Pro2094Arg). The proline residue is highly conserved and there is a moderate physicochemical difference between proline and arginine.